The following is an entry in ClinVar:

NM_000051.4(ATM):c.5204C>T (p.Thr1735Ile)

Gene: ATM (ATM serine/threonine kinase; plus strand). Cytogenetic location: 11q22.3.
Variant type: single nucleotide variant.
Coding change: c.5204C>T on transcript NM_000051.4 (MANE Select); coding-DNA position 5204, C replaced by T.
Protein change: p.Thr1735Ile; replaces threonine 1735 with isoleucine.
Molecular consequence: missense variant.
Genome position (GRCh38, 1-based): chr11:108,301,674, C>T. VCF-style: chr11-108301674-C-T. GRCh37 (hg19) VCF-style: chr11-108172401-C-T.
Other names: c.5204C>T, p.Thr1735Ile (NM_001351834.2); short protein forms T1735I.
Identifiers: ClinVar variation 1337642 (VCV001337642.9), dbSNP rs1555105650, ClinGen allele CA382542210.

ClinVar aggregate classification (germline): Uncertain significance. Review status: criteria provided, multiple submitters, no conflicts (2 of 4 stars). 3 submissions from 3 submitters: Uncertain significance (3). Last evaluated 2025-01-29.

Conditions:
Hereditary cancer-predisposing syndrome. Also called: Hereditary Cancer Syndrome; Hereditary neoplastic syndrome; Neoplastic Syndromes, Hereditary; Tumor predisposition. Identifiers: Orphanet 140162, MedGen C0027672, MeSH D009386, MONDO:0015356.
Ataxia-telangiectasia syndrome (AT). Also called: LOUIS-BAR SYNDROME; Cerebello-oculocutaneous telangiectasia; Immunodeficiency with ataxia telangiectasia; Ataxia-telangiectasia, complementation group D; AT, COMPLEMENTATION GROUP C; ATAXIA-TELANGIECTASIA, COMPLEMENTATION GROUP A. Identifiers: Orphanet 100, MedGen C0004135, MONDO:0008840, OMIM 208900.

Submissions (3):

Labcorp Genetics (formerly Invitae), Labcorp
Classification: Uncertain significance for Ataxia-telangiectasia syndrome. Last evaluated: 2025-01-29. Review status: criteria provided, single submitter. Criteria: Invitae Variant Classification Sherloc (09022015). Collection method: clinical testing. Allele origin: germline.
Comment: This sequence change replaces threonine, which is neutral and polar, with isoleucine, which is neutral and non-polar, at codon 1735 of the ATM protein (p.Thr1735Ile). This variant is not present in population databases (gnomAD no frequency). This variant has not been reported in the literature in individuals affected with ATM-related conditions. ClinVar contains an entry for this variant (Variation ID: 1337642). Invitae Evidence Modeling of protein sequence and biophysical properties (such as structural, functional, and spatial information, amino acid conservation, physicochemical variation, residue mobility, and thermodynamic stability) indicates that this missense variant is not expected to disrupt ATM protein function with a negative predictive value of 95%. Algorithms developed to predict the effect of sequence changes on RNA splicing suggest that this variant may disrupt the consensus splice site. In summary, the available evidence is currently insufficient to determine the role of this variant in disease. Therefore, it has been classified as a Variant of Uncertain Significance.

Ambry Genetics
Classification: Uncertain significance for Hereditary cancer-predisposing syndrome. Last evaluated: 2024-01-13. Review status: criteria provided, single submitter. Criteria: Ambry Variant Classification Scheme 2023. Collection method: clinical testing. Allele origin: germline.
Comment: The p.T1735I variant (also known as c.5204C>T), located in coding exon 34 of the ATM gene, results from a C to T substitution at nucleotide position 5204. The threonine at codon 1735 is replaced by isoleucine, an amino acid with similar properties. This amino acid position is conserved. In addition, this alteration is predicted to be tolerated by in silico analysis. Since supporting evidence is limited at this time, the clinical significance of this alteration remains unclear.

Genetic Services Laboratory, University of Chicago
Classification: Uncertain significance. Last evaluated: 2020-05-27. Review status: criteria provided, single submitter. Criteria: ACMG Guidelines, 2015. Collection method: clinical testing. Allele origin: germline. Affected: no.
Comment: DNA sequence analysis of the ATM gene demonstrated a sequence change, c.5204C>T, in exon 35 that results in an amino acid change, p.Thr1735Ile. This sequence change does not appear to have been previously described in patients with ATM-related disorders and has also not been described in population databased (gnomAD, ExAC). The p.Thr1735Ile change affects a poorly conserved amino acid residue located in a domain of the ATM protein that is known to be functional. The p.Thr1735Ile substitution appears to be benign using several in-silico pathogenicity prediction tools (SIFT, PolyPhen2, Align GVGD, REVEL). Due to these contrasting evidences and the lack of functional studies, the clinical significance of the p.Thr1735Ile change remains unknown at this time.